The following is an entry in ClinVar:

NM_001122769.3(LCA5):c.308G>A (p.Arg103Gln)

Gene: LCA5 (lebercilin LCA5; minus strand). Cytogenetic location: 6q14.1.
Variant type: single nucleotide variant.
Coding change: c.308G>A on transcript NM_001122769.3 (MANE Select); coding-DNA position 308, G replaced by A.
Protein change: p.Arg103Gln; replaces arginine 103 with glutamine.
Molecular consequence: missense variant.
Genome position (GRCh38, 1-based): chr6:79,513,624, C>T on the plus strand (G>A on the coding strand, the complement: LCA5 is on the minus strand). VCF-style: chr6-79513624-C-T. GRCh37 (hg19) VCF-style: chr6-80223341-C-T.
Other names: c.308G>A, p.Arg103Gln (NM_181714.4); short protein forms R103Q.
Identifiers: ClinVar variation 1507803 (VCV001507803.6), dbSNP rs750308308, ClinGen allele CA3901140.
Genomic context (GRCh38, chr6:79,513,624, plus strand): 5'-TGGAGTTCAGATACTTCATTCTGCAACTCATTGATTTTTAGCAGTCTTGCAGACAGAATC[C>T]GTTTTGTAACAAGATCAGTATCTTTCCGAAGTGGCTCTCTATTGAGGCTCTGGGAGCGAA-3'
Protein context (NP_001116241.1, residues 93-113): LRKDTDLVTK[Arg103Gln]ILSARLLKIN

ClinVar aggregate classification (germline): Uncertain significance. Review status: criteria provided, multiple submitters, no conflicts (2 of 4 stars). 2 submissions from 2 submitters: Uncertain significance (2). Last evaluated 2024-10-15.

Allele frequency attached by ClinVar (database versions not stated): gnomAD exomes 0.00001 and 0.00005; ExAC 0.00002; gnomAD 0.00002; TOPMed 0.00002.
gnomAD v4.1: 31 of 1,613,642 alleles (0.0019%); highest among the groups gnomAD compares: Admixed American, 0.025%; no homozygotes.

Submissions (2):

Labcorp Genetics (formerly Invitae), Labcorp
Classification: Uncertain significance. Last evaluated: 2024-10-15. Review status: criteria provided, single submitter. Criteria: Invitae Variant Classification Sherloc (09022015). Collection method: clinical testing. Allele origin: germline.
Comment: This sequence change replaces arginine, which is basic and polar, with glutamine, which is neutral and polar, at codon 103 of the LCA5 protein (p.Arg103Gln). This variant is present in population databases (rs750308308, gnomAD 0.03%). This variant has not been reported in the literature in individuals affected with LCA5-related conditions. ClinVar contains an entry for this variant (Variation ID: 1507803). An algorithm developed to predict the effect of missense changes on protein structure and function outputs the following: PolyPhen-2: "Possibly Damaging". The glutamine amino acid residue is found in multiple mammalian species, which suggests that this missense change does not adversely affect protein function. In summary, the available evidence is currently insufficient to determine the role of this variant in disease. Therefore, it has been classified as a Variant of Uncertain Significance.

Blueprint Genetics
Classification: Uncertain significance. Last evaluated: 2020-01-29. Review status: criteria provided, single submitter. Criteria: ACMG Guidelines, 2015. Collection method: clinical testing. Allele origin: germline.